The following is an entry in ClinVar:

ClinVar aggregate classification (germline): Benign/Likely benign. Review status: criteria provided, multiple submitters, no conflicts (2 of 4 stars). 3 submissions from 3 submitters: Benign (1); Likely benign (2). Last evaluated 2025-07-22.

Conditions:
Atypical hemolytic-uremic syndrome. Identifiers: Orphanet 2134, MedGen C2931788, MONDO:0016244.

Submissions (3):

Women's Health and Genetics/Laboratory Corporation of America, LabCorp
Classification: Likely benign. Last evaluated: 2025-07-22. Review status: criteria provided, single submitter. Criteria: LabCorp Variant Classification Summary - May 2015. Collection method: clinical testing. Allele origin: germline.
Comment: Variant summary: CFI c.329-8delT alters a conserved nucleotide located at a position not widely known to affect splicing. The variant allele was found at a frequency of 7.2e-05 in 249144 control chromosomes, predominantly at a frequency of 0.001 within the East Asian subpopulation in the gnomAD database, including 1 homozygote. To our knowledge, no occurrence of c.329-8delT in individuals affected with Complement Factor I Deficiency and no experimental evidence demonstrating its impact on protein function have been reported. ClinVar contains an entry for this variant (Variation ID: 1712452). Based on the evidence outlined above, the variant was classified as likely benign.

Labcorp Genetics (formerly Invitae), Labcorp
Classification: Benign. Last evaluated: 2025-06-29. Review status: criteria provided, single submitter. Criteria: Invitae Variant Classification Sherloc (09022015). Collection method: clinical testing. Allele origin: germline.

Genome Diagnostics Laboratory, The Hospital for Sick Children
Classification: Likely benign for Atypical hemolytic-uremic syndrome. Last evaluated: 2021-06-30. Review status: criteria provided, single submitter. Criteria: ACMG Guidelines, 2015. Collection method: clinical testing. Allele origin: germline.

NM_000204.5(CFI):c.329-8del

Gene: CFI (complement factor I; minus strand). Cytogenetic location: 4q25.
Variant type: Deletion.
Coding change: c.329-8del on transcript NM_000204.5 (MANE Select); 8 bases into the intron before coding-DNA position 329, one base deleted (T; older notation c.329-8delT).
Molecular consequence: intron variant.
Genome position (GRCh38, 1-based): chr4:109,764,698, A deleted on the plus strand (T on the coding strand, the reverse complement: CFI is on the minus strand); the first of 7 consecutive A bases (chr4:109,764,698-109,764,704); deleting any one gives the same sequence. VCF-style (leftmost placement, unchanged base first): chr4-109764697-TA-T. GRCh37 (hg19) VCF-style: chr4-110685853-TA-T.
Other names: c.329-8del (NM_001375282.1, NM_001375280.1, NM_001375281.1 and 5 more transcripts); c.-127-3006del (NM_001375284.1); c.329-8delT (NM_000204.5).
Identifiers: ClinVar variation 1712452 (VCV001712452.5), dbSNP rs754551276, ClinGen allele CA3042297.